The following is an entry in ClinVar:

NM_138459.5(NUS1):c.560C>T (p.Ala187Val)

Gene: NUS1 (NUS1 dehydrodolichyl diphosphate synthase subunit; plus strand). Cytogenetic location: 6q22.1.
Variant type: single nucleotide variant.
Coding change: c.560C>T on transcript NM_138459.5 (MANE Select); coding-DNA position 560, C replaced by T.
Protein change: p.Ala187Val; replaces alanine 187 with valine.
Molecular consequence: missense variant.
Genome position (GRCh38, 1-based): chr6:117,694,049, C>T. VCF-style: chr6-117694049-C-T. GRCh37 (hg19) VCF-style: chr6-118015212-C-T.
Other names: short protein forms A187V.
Identifiers: ClinVar variation 2505858 (VCV002505858.2), dbSNP rs2482015889, ClinGen allele CA365536944.

ClinVar aggregate classification (germline): Uncertain significance. Review status: criteria provided, multiple submitters, no conflicts (2 of 4 stars). 2 submissions from 2 submitters: Uncertain significance (2). Last evaluated 2024-05-28.

Conditions:
Inborn genetic diseases. Identifiers: MedGen C0950123, MeSH D030342.

Allele frequency attached by ClinVar (database versions not stated): gnomAD exomes 0.00001.
gnomAD v4.1: 11 of 1,602,980 alleles (0.00069%); highest among the groups gnomAD compares: South Asian, 0.0011%; no homozygotes.

Submissions (2):

Ambry Genetics
Classification: Uncertain significance for Inborn genetic diseases. Last evaluated: 2024-05-28. Review status: criteria provided, single submitter. Criteria: Ambry Variant Classification Scheme 2023. Collection method: clinical testing. Allele origin: germline.

GeneDx
Classification: Uncertain significance. Last evaluated: 2022-12-15. Review status: criteria provided, single submitter. Criteria: GeneDx Variant Classification Process June 2021. Collection method: clinical testing. Allele origin: germline. Affected: yes.
Comment: Not observed at significant frequency in large population cohorts (gnomAD); In silico analysis supports that this missense variant does not alter protein structure/function; Has not been previously published as pathogenic or benign to our knowledge